The following is an entry in ClinVar:

ClinVar aggregate classification (germline): Uncertain significance. Review status: criteria provided, multiple submitters, no conflicts (2 of 4 stars). 2 submissions from 2 submitters: Uncertain significance (2). Last evaluated 2025-03-01.

Conditions:
Lissencephaly type 1 due to doublecortin gene mutation. Also called: LISSENCEPHALY, X-LINKED, 1; LISSENCEPHALY AND AGENESIS OF CORPUS CALLOSUM. Identifiers: Orphanet 2148, MedGen C4551968, MONDO:0010239, OMIM 300067.

Submissions (2):

Labcorp Genetics (formerly Invitae), Labcorp
Classification: Uncertain significance. Last evaluated: 2025-03-01. Review status: criteria provided, single submitter. Criteria: Invitae Variant Classification Sherloc (09022015). Collection method: clinical testing. Allele origin: germline.
Comment: This sequence change replaces serine, which is neutral and polar, with proline, which is neutral and non-polar, at codon 147 of the DCX protein (p.Ser147Pro). This variant is not present in population databases (gnomAD no frequency). This missense change has been observed in individual(s) with DCX-related conditions (PMID: 36801247). This variant is also known as p.Ser228Pro. ClinVar contains an entry for this variant (Variation ID: 1878548). Invitae Evidence Modeling of protein sequence and biophysical properties (such as structural, functional, and spatial information, amino acid conservation, physicochemical variation, residue mobility, and thermodynamic stability) indicates that this missense variant is not expected to disrupt DCX protein function with a negative predictive value of 80%. In summary, the available evidence is currently insufficient to determine the role of this variant in disease. Therefore, it has been classified as a Variant of Uncertain Significance.

Neuberg Centre For Genomic Medicine, NCGM
Classification: Uncertain significance for Lissencephaly type 1 due to doublecortin gene mutation. Review status: criteria provided, single submitter. Criteria: ACMG Guidelines, 2015. Collection method: clinical testing. Allele origin: germline. Affected: yes.
Comment: The amino acid Ser at position 228 is changed to a Pro changing protein sequence and it might alter its composition and physico-chemical properties. This variant has not been reported in affected individuals. The p.Ser228Pro variant is novel (not in any individuals) in gnomAD Exomes and 1000 Genomes. The residue is conserved across species. The amino acid change p.Ser228Pro in DCX is predicted as conserved by GERP++ and PhyloP across 100 vertebrates. In silico tools predict the variant to be tolerated. In silico tools are contradictory in their predictions (SIFT-damaging, Polyphen 2- Benign). For these reasons, this variant has been classified as Uncertain Significance.

Literature cited by the submitters: PubMed 36801247 (cited by Labcorp Genetics (formerly Invitae), Labcorp).

NM_001195553.2(DCX):c.439T>C (p.Ser147Pro)

Gene: DCX (doublecortin; minus strand). Cytogenetic location: Xq23.
Variant type: single nucleotide variant.
Coding change: c.439T>C on transcript NM_001195553.2 (MANE Select); coding-DNA position 439, T replaced by C.
Protein change: p.Ser147Pro; replaces serine 147 with proline.
Molecular consequence: missense variant.
Genome position (GRCh38, 1-based): chrX:111,401,256, A>G on the plus strand (T>C on the coding strand, the complement: DCX is on the minus strand). VCF-style: chrX-111401256-A-G. GRCh37 (hg19) VCF-style: chrX-110644484-A-G.
Other names: c.682T>C, p.Ser228Pro (NM_000555.3); c.439T>C, p.Ser147Pro (NM_001369370.1, NM_001369371.1, NM_001369372.1 and 6 more transcripts); short protein forms S147P, S228P.
Identifiers: ClinVar variation 1878548 (VCV001878548.2), dbSNP rs2524836044, ClinGen allele CA414246365.